The following is an entry in ClinVar:

ClinVar aggregate classification (germline): Conflicting classifications of pathogenicity. Review status: criteria provided, conflicting classifications (1 of 4 stars). 4 submissions from 4 submitters: Uncertain significance (3); Likely benign (1). Last evaluated 2025-12-15.

Conditions:
Arrhythmogenic right ventricular dysplasia 10. Also called: Arrhythmogenic right ventricular dysplasia/cardiomyopathy, type 10; ARRHYTHMOGENIC RIGHT VENTRICULAR DYSPLASIA, FAMILIAL, 10; Arrhythmogenic Right Ventricular Dysplasia/Cardiomyopathy10. Identifiers: MedGen C1857777, MONDO:0012434, OMIM 610193.
Dilated cardiomyopathy 1BB (CMD1BB). Also called: CARDIOMYOPATHY, DILATED, 1BB, SUSCEPTIBILITY TO. Identifiers: Orphanet 154, MedGen C2752072, MONDO:0013030, OMIM 612877.
Cardiomyopathy (CMYO). Also called: Cardiomyopathies. Identifiers: Orphanet 167848, MedGen C0878544, MONDO:0004994, HP:0001638. Inheritance: Various modes of inheritance.
Cardiovascular phenotype. Identifiers: MedGen CN230736.

Allele frequency attached by ClinVar (database versions not stated): TOPMed 0.00005; gnomAD exomes below 0.00001 and 0.00001; gnomAD 0.00003 and 0.00004.
gnomAD v4.1: 10 of 1,614,072 alleles (0.00062%); highest among the groups gnomAD compares: African/African-American, 0.012%; no homozygotes.

Submissions (4):

Ambry Genetics
Classification: Likely benign for Cardiovascular phenotype. Last evaluated: 2025-12-15. Review status: criteria provided, single submitter. Criteria: Ambry Variant Classification Scheme 2023. Collection method: clinical testing. Allele origin: germline.

Labcorp Genetics (formerly Invitae), Labcorp
Classification: Uncertain significance for Arrhythmogenic right ventricular dysplasia 10. Last evaluated: 2025-12-10. Review status: criteria provided, single submitter. Criteria: Invitae Variant Classification Sherloc (09022015). Collection method: clinical testing. Allele origin: germline.
Comment: This sequence change replaces lysine, which is basic and polar, with arginine, which is basic and polar, at codon 901 of the DSG2 protein (p.Lys901Arg). This variant is present in population databases (no rsID available, gnomAD 0.01%). This variant has not been reported in the literature in individuals affected with DSG2-related conditions. ClinVar contains an entry for this variant (Variation ID: 264559). Invitae Evidence Modeling of protein sequence and biophysical properties (such as structural, functional, and spatial information, amino acid conservation, physicochemical variation, residue mobility, and thermodynamic stability) indicates that this missense variant is not expected to disrupt DSG2 protein function with a negative predictive value of 95%. In summary, the available evidence is currently insufficient to determine the role of this variant in disease. Therefore, it has been classified as a Variant of Uncertain Significance.

Color Diagnostics, LLC DBA Color Health
Classification: Uncertain significance for Cardiomyopathy. Last evaluated: 2024-07-24. Review status: criteria provided, single submitter. Criteria: ACMG Guidelines, 2015. Collection method: clinical testing. Allele origin: germline.
Comment: This missense variant replaces lysine with arginine at codon 901 of the DSG2 protein. Computational prediction suggests that this variant may not impact protein structure and function. To our knowledge, functional studies have not been reported for this variant. This variant has not been reported in an individual affected with arrhythmia (PMID: 33029862). This variant has been identified in 3/280408 chromosomes in the general population by the Genome Aggregation Database (gnomAD). The available evidence is insufficient to determine the role of this variant in disease conclusively. Therefore, this variant is classified as a Variant of Uncertain Significance.

Fulgent Genetics
Classification: Uncertain significance for Arrhythmogenic right ventricular dysplasia 10; Dilated cardiomyopathy 1BB. Last evaluated: 2021-08-30. Review status: criteria provided, single submitter. Criteria: ACMG Guidelines, 2015. Collection method: clinical testing. Allele origin: unknown.

Literature cited by the submitters: PubMed 33029862 (cited by Color Diagnostics, LLC DBA Color Health).

NM_001943.5(DSG2):c.2702A>G (p.Lys901Arg)

Genes: DSG2 (desmoglein 2; plus strand), DSG2-AS1 (DSG2 antisense RNA 1; minus strand). Cytogenetic location: 18q12.1.
Variant type: single nucleotide variant.
Coding change: c.2702A>G on transcript NM_001943.5 (MANE Select); coding-DNA position 2702, A replaced by G.
Protein change: p.Lys901Arg; replaces lysine 901 with arginine.
Molecular consequence: missense variant.
Genome position (GRCh38, 1-based): chr18:31,546,088, A>G. VCF-style: chr18-31546088-A-G. GRCh37 (hg19) VCF-style: chr18-29126051-A-G.
Other names: c.2702A>G (LRG_397t1); short protein forms K901R.
Identifiers: ClinVar variation 264559 (VCV000264559.16), dbSNP rs886039190, ClinGen allele CA10587914.